The following is an entry in ClinVar:

NM_000540.3(RYR1):c.15021+5G>A

Gene: RYR1 (ryanodine receptor 1; plus strand). Cytogenetic location: 19q13.2.
Variant type: single nucleotide variant.
Coding change: c.15021+5G>A on transcript NM_000540.3 (MANE Select); 5 bases into the intron after coding-DNA position 15021, G replaced by A.
Molecular consequence: intron variant.
Genome position (GRCh38, 1-based): chr19:38,586,581, G>A. VCF-style: chr19-38586581-G-A. GRCh37 (hg19) VCF-style: chr19-39077221-G-A.
Other names: c.15006+5G>A (NM_001042723.2).
Identifiers: ClinVar variation 4757664 (VCV004757664.1).

ClinVar aggregate classification (germline): Uncertain significance (1 of 4 stars; one submission).

Conditions:
Malignant hyperthermia, susceptibility to, 1 (MHS1). Also called: RYR1-Related Malignant Hyperthermia Susceptibility; Malignant hyperthermia suceptibility 1; Anesthesia related hyperthermia; Malignant hyperpyrexia; Fulminating hyperpyrexia; Pharmacogenic myopathy. Identifiers: Orphanet 423, MedGen C2930980, MONDO:0007783, OMIM 145600.

gnomAD v4.1: 2 of 1,613,874 alleles (0.00012%); highest among the groups gnomAD compares: Non-Finnish European, 0.00017%; no homozygotes.

Submission:

Color Diagnostics, LLC DBA Color Health
Classification: Uncertain significance for Malignant hyperthermia, susceptibility to, 1. Last evaluated: 2025-07-25. Review status: criteria provided, single submitter. Criteria: ACMG Guidelines, 2015. Collection method: clinical testing. Allele origin: germline.
Comment: This variant causes a G to A nucleotide substitution at the +5 position of intron 105 of the RYR1 gene. To our knowledge, RNA studies have not been reported for this variant. This variant has not been reported in individuals affected with RYR1-related disorders in the literature. This variant has not been identified in the general population by the Genome Aggregation Database (gnomAD). The available evidence is insufficient to determine the role of this variant in disease conclusively. Therefore, this variant is classified as a Variant of Uncertain Significance.